The following is an entry in ClinVar:

ClinVar aggregate classification (germline): Uncertain significance (1 of 4 stars; one submission).

Allele frequency attached by ClinVar (database versions not stated): TOPMed below 0.00001; ExAC 0.00001; gnomAD exomes 0.00001; ESP Exome Variant Server 0.00008.
gnomAD v4.1: 3 of 1,612,756 alleles (0.00019%); highest among the groups gnomAD compares: African/African-American, 0.0013%; no homozygotes.

Submission:

Labcorp Genetics (formerly Invitae), Labcorp
Classification: Uncertain significance. Last evaluated: 2021-12-02. Review status: criteria provided, single submitter. Criteria: Invitae Variant Classification Sherloc (09022015). Collection method: clinical testing. Allele origin: germline.
Comment: This sequence change replaces valine, which is neutral and non-polar, with isoleucine, which is neutral and non-polar, at codon 2064 of the DMXL2 protein (p.Val2064Ile). This variant is present in population databases (rs373818486, gnomAD 0.0009%). This variant has not been reported in the literature in individuals affected with DMXL2-related conditions. Algorithms developed to predict the effect of missense changes on protein structure and function are either unavailable or do not agree on the potential impact of this missense change (SIFT: "Deleterious"; PolyPhen-2: "Probably Damaging"; Align-GVGD: "Class C0"). In summary, the available evidence is currently insufficient to determine the role of this variant in disease. Therefore, it has been classified as a Variant of Uncertain Significance.

NM_001378457.1(DMXL2):c.6190G>A (p.Val2064Ile)

Gene: DMXL2 (Dmx like 2; minus strand). Cytogenetic location: 15q21.2.
Variant type: single nucleotide variant.
Coding change: c.6190G>A on transcript NM_001378457.1 (MANE Select); coding-DNA position 6190, G replaced by A.
Protein change: p.Val2064Ile; replaces valine 2064 with isoleucine.
Molecular consequence: missense variant. On other transcripts: non-coding transcript variant (2).
Genome position (GRCh38, 1-based): chr15:51,480,916, C>T on the plus strand (G>A on the coding strand, the complement: DMXL2 is on the minus strand). VCF-style: chr15-51480916-C-T. GRCh37 (hg19) VCF-style: chr15-51773113-C-T.
Other names: c.6190G>A, p.Val2064Ile (NM_001174116.3, NM_001378458.1, NM_001378459.1 and 4 more transcripts); c.4282G>A, p.Val1428Ile (NM_001174117.3); c.4171G>A, p.Val1391Ile (NM_001378460.1); c.5950G>A, p.Val1984Ile (NM_001378464.1); short protein forms V1391I, V1984I, V2064I, V1428I.
Identifiers: ClinVar variation 2026905 (VCV002026905.1), dbSNP rs373818486, ClinGen allele CA7561679.